The following is an entry in ClinVar:

NM_002500.5(NEUROD1):c.1022A>G (p.His341Arg)

Gene: NEUROD1 (neuronal differentiation 1; minus strand). Cytogenetic location: 2q31.3.
Variant type: single nucleotide variant.
Coding change: c.1022A>G on transcript NM_002500.5 (MANE Select); coding-DNA position 1022, A replaced by G.
Protein change: p.His341Arg; replaces histidine 341 with arginine.
Molecular consequence: missense variant.
Genome position (GRCh38, 1-based): chr2:181,677,839, T>C on the plus strand (A>G on the coding strand, the complement: NEUROD1 is on the minus strand). VCF-style: chr2-181677839-T-C. GRCh37 (hg19) VCF-style: chr2-182542566-T-C.
Other names: short protein forms H341R.
Identifiers: ClinVar variation 2131412 (VCV002131412.4), dbSNP rs1189984054, ClinGen allele CA349782068.
Genomic context (GRCh38, chr2:181,677,839, plus strand): 5'-CTGGCGTGCCTCTAATCATGAAATATGGCATTGAGCTGGGCACTCATGACTCGCTCATGA[T>C]GTGAATGGCTATCGAAGGACATAATATTGTCTATGGGGATCTCGCAGCGAGGGGCAGCGG-3'
Protein context (NP_002491.3, residues 331-351): DNIMSFDSHS[His341Arg]HERVMSAQLN

ClinVar aggregate classification (germline): Uncertain significance (1 of 4 stars; one submission).

Allele frequency attached by ClinVar (database versions not stated): gnomAD exomes below 0.00001; TOPMed below 0.00001.
gnomAD v4.1: 7 of 1,614,146 alleles (0.00043%); highest among the groups gnomAD compares: Non-Finnish European, 0.00059%; no homozygotes.

Submission:

Labcorp Genetics (formerly Invitae), Labcorp
Classification: Uncertain significance. Last evaluated: 2022-04-28. Review status: criteria provided, single submitter. Criteria: Invitae Variant Classification Sherloc (09022015). Collection method: clinical testing. Allele origin: germline.
Comment: In summary, the available evidence is currently insufficient to determine the role of this variant in disease. Therefore, it has been classified as a Variant of Uncertain Significance. Algorithms developed to predict the effect of missense changes on protein structure and function are either unavailable or do not agree on the potential impact of this missense change (SIFT: "Deleterious"; PolyPhen-2: "Benign"; Align-GVGD: "Class C25"). This variant has not been reported in the literature in individuals affected with NEUROD1-related conditions. This variant is not present in population databases (gnomAD no frequency). This sequence change replaces histidine, which is basic and polar, with arginine, which is basic and polar, at codon 341 of the NEUROD1 protein (p.His341Arg).